The following is an entry in ClinVar:

NM_004817.4(TJP2):c.638G>A (p.Arg213Gln)

Gene: TJP2 (tight junction protein 2; plus strand). Cytogenetic location: 9q21.11.
Variant type: single nucleotide variant.
Coding change: c.638G>A on transcript NM_004817.4 (MANE Select); coding-DNA position 638, G replaced by A.
Protein change: p.Arg213Gln; replaces arginine 213 with glutamine.
Molecular consequence: missense variant.
Genome position (GRCh38, 1-based): chr9:69,221,182, G>A. VCF-style: chr9-69221182-G-A. GRCh37 (hg19) VCF-style: chr9-71836098-G-A.
Other names: c.638G>A, p.Arg213Gln (LRG_1201t1, NM_001369872.1, NM_001369873.1 and 1 more transcripts); c.569G>A, p.Arg190Gln (NM_001170414.2, NM_001369870.1, NM_001369871.1); c.650G>A, p.Arg217Gln (NM_001170415.1, NM_001369874.1, NM_001369875.1); c.731G>A, p.Arg244Gln (NM_001170416.2); short protein forms R213Q, R244Q, R190Q, R217Q.
Identifiers: ClinVar variation 597435 (VCV000597435.10), dbSNP rs775377668, ClinGen allele CA5073055.

ClinVar aggregate classification (germline): Uncertain significance. Review status: criteria provided, multiple submitters, no conflicts (2 of 4 stars). 2 submissions from 2 submitters: Uncertain significance (2). Last evaluated 2024-01-02.

Allele frequency attached by ClinVar (database versions not stated): ExAC below 0.00001.
gnomAD v4.1: 2 of 1,599,872 alleles (0.00013%); highest among the groups gnomAD compares: South Asian, 0.0011%; no homozygotes.

Submissions (2):

Labcorp Genetics (formerly Invitae), Labcorp
Classification: Uncertain significance. Last evaluated: 2024-01-02. Review status: criteria provided, single submitter. Criteria: Invitae Variant Classification Sherloc (09022015). Collection method: clinical testing. Allele origin: germline.
Comment: This sequence change replaces arginine, which is basic and polar, with glutamine, which is neutral and polar, at codon 213 of the TJP2 protein (p.Arg213Gln). This variant is not present in population databases (gnomAD no frequency). This variant has not been reported in the literature in individuals affected with TJP2-related conditions. ClinVar contains an entry for this variant (Variation ID: 597435). Algorithms developed to predict the effect of missense changes on protein structure and function output the following: SIFT: "Not Available"; PolyPhen-2: "Benign"; Align-GVGD: "Not Available". The glutamine amino acid residue is found in multiple mammalian species, which suggests that this missense change does not adversely affect protein function. In summary, the available evidence is currently insufficient to determine the role of this variant in disease. Therefore, it has been classified as a Variant of Uncertain Significance.

Eurofins Ntd Llc (ga)
Classification: Uncertain significance. Last evaluated: 2018-06-05. Review status: criteria provided, single submitter. Criteria: EGL ClinVar v180209 classification definitions. Collection method: clinical testing. Allele origin: germline. Observed: 1 variant allele, 1 heterozygote.